The following is an entry in ClinVar:

NM_001367561.1(DOCK7):c.5926A>G (p.Ile1976Val)

Gene: DOCK7 (dedicator of cytokinesis 7; minus strand). Cytogenetic location: 1p31.3.
Variant type: single nucleotide variant.
Coding change: c.5926A>G on transcript NM_001367561.1 (MANE Select); coding-DNA position 5926, A replaced by G.
Protein change: p.Ile1976Val; replaces isoleucine 1976 with valine.
Molecular consequence: missense variant.
Genome position (GRCh38, 1-based): chr1:62,475,742, T>C on the plus strand (A>G on the coding strand, the complement: DOCK7 is on the minus strand). VCF-style: chr1-62475742-T-C. GRCh37 (hg19) VCF-style: chr1-62941413-T-C.
Other names: c.5899A>G, p.Ile1967Val (NM_001330614.2); c.5833A>G, p.Ile1945Val (NM_033407.4); c.5893A>G, p.Ile1965Val (NM_001271999.2); c.5806A>G, p.Ile1936Val (NM_001272000.2); c.5800A>G, p.Ile1934Val (NM_001272001.2); short protein forms I1965V, I1934V, I1936V, I1945V, I1967V, I1976V.
Identifiers: ClinVar variation 937154 (VCV000937154.10), dbSNP rs754457072, ClinGen allele CA885339.

ClinVar aggregate classification (germline): Uncertain significance (1 of 4 stars; one submission).

Conditions:
Developmental and epileptic encephalopathy, 23 (DEE23). Also called: Epileptic encephalopathy, early infantile, 23. Identifiers: Orphanet 411986, MedGen C4014492, MONDO:0014371, OMIM 615859.

Allele frequency attached by ClinVar (database versions not stated): gnomAD exomes below 0.00001 and 0.00002; TOPMed below 0.00001; ExAC 0.00002.
gnomAD v4.1: 6 of 1,614,028 alleles (0.00037%); highest among the groups gnomAD compares: Admixed American, 0.005%; no homozygotes.

Submission:

Labcorp Genetics (formerly Invitae), Labcorp
Classification: Uncertain significance for Developmental and epileptic encephalopathy, 23. Last evaluated: 2019-09-26. Review status: criteria provided, single submitter. Criteria: Invitae Variant Classification Sherloc (09022015). Collection method: clinical testing. Allele origin: germline.
Comment: In summary, the available evidence is currently insufficient to determine the role of this variant in disease. Therefore, it has been classified as a Variant of Uncertain Significance. Algorithms developed to predict the effect of missense changes on protein structure and function (SIFT, PolyPhen-2, Align-GVGD) all suggest that this variant is likely to be tolerated, but these predictions have not been confirmed by published functional studies and their clinical significance is uncertain. This variant has not been reported in the literature in individuals with DOCK7-related conditions. This variant is present in population databases (rs754457072, ExAC 0.003%). This sequence change replaces isoleucine with valine at codon 1965 of the DOCK7 protein (p.Ile1965Val). The isoleucine residue is highly conserved and there is a small physicochemical difference between isoleucine and valine.